The following is an entry in ClinVar:

NM_001329943.3(KIAA0586):c.4060A>G (p.Ile1354Val)

Gene: KIAA0586 (KIAA0586; plus strand). Cytogenetic location: 14q23.1.
Variant type: single nucleotide variant.
Coding change: c.4060A>G on transcript NM_001329943.3 (MANE Select); coding-DNA position 4060, A replaced by G.
Protein change: p.Ile1354Val; replaces isoleucine 1354 with valine.
Molecular consequence: missense variant.
Genome position (GRCh38, 1-based): chr14:58,498,852, A>G. VCF-style: chr14-58498852-A-G. GRCh37 (hg19) VCF-style: chr14-58965570-A-G.
Other names: c.4219A>G, p.Ile1407Val (NM_001244189.2); c.4015A>G, p.Ile1339Val (NM_001244190.2); c.3805A>G, p.Ile1269Val (NM_001244191.2, NM_001329945.2, NM_001364700.1 and 1 more transcripts); c.3928A>G, p.Ile1310Val (NM_001244192.2, NM_001329947.2); c.3640A>G, p.Ile1214Val (NM_001244193.2); c.4060A>G, p.Ile1354Val (NM_001329944.2, NM_001329946.2); c.3832A>G, p.Ile1278Val (NM_014749.5); short protein forms I1278V, I1310V, I1339V, I1354V, I1214V, I1269V, I1407V.
Identifiers: ClinVar variation 1494847 (VCV001494847.8), dbSNP rs1446993944, ClinGen allele CA389885577.
Genomic context (GRCh38, chr14:58,498,852, plus strand): 5'-AACAGTGTGGGTGAACTTAGTGAAGGACAAAGACCCCAGCTAACAGCGGCAGCAGAGAAC[A>G]TCTTAATGGGACATTCTCTCTATATGCAGCCACCTGTCACTAATACACAGTCTTTGGATC-3'
Protein context (NP_001316872.1, residues 1344-1364): RPQLTAAAEN[Ile1354Val]LMGHSLYMQP

ClinVar aggregate classification (germline): Uncertain significance (1 of 4 stars; one submission).

Conditions:
Joubert syndrome 23 (JBTS23). Identifiers: Orphanet 475, MedGen C4084822, MONDO:0014664, OMIM 616490.
Short-rib thoracic dysplasia 14 with polydactyly (SRTD14). Identifiers: Orphanet 397715, MedGen C4225286, MONDO:0014688, OMIM 616546.

Allele frequency attached by ClinVar (database versions not stated): gnomAD exomes below 0.00001 and 0.00001.
gnomAD v4.1: 2 of 1,612,540 alleles (0.00012%); highest among the groups gnomAD compares: Admixed American, 0.0033%; no homozygotes.

Submission:

Labcorp Genetics (formerly Invitae), Labcorp
Classification: Uncertain significance for Joubert syndrome 23; Short-rib thoracic dysplasia 14 with polydactyly. Last evaluated: 2024-11-21. Review status: criteria provided, single submitter. Criteria: Invitae Variant Classification Sherloc (09022015). Collection method: clinical testing. Allele origin: germline.
Comment: This sequence change replaces isoleucine, which is neutral and non-polar, with valine, which is neutral and non-polar, at codon 1407 of the KIAA0586 protein (p.Ile1407Val). This variant is present in population databases (no rsID available, gnomAD 0.006%). This variant has not been reported in the literature in individuals affected with KIAA0586-related conditions. ClinVar contains an entry for this variant (Variation ID: 1494847). Invitae Evidence Modeling of protein sequence and biophysical properties (such as structural, functional, and spatial information, amino acid conservation, physicochemical variation, residue mobility, and thermodynamic stability) indicates that this missense variant is not expected to disrupt KIAA0586 protein function with a negative predictive value of 80%. In summary, the available evidence is currently insufficient to determine the role of this variant in disease. Therefore, it has been classified as a Variant of Uncertain Significance.